The following is an entry in ClinVar:

ClinVar aggregate classification (germline): Pathogenic. Review status: criteria provided, multiple submitters, no conflicts (2 of 4 stars). 10 submissions from 10 submitters: Pathogenic (10). Last evaluated 2025-11-28.

Conditions:
Wiskott-Aldrich syndrome (WAS). Also called: ALDRICH SYNDROME; IMMUNODEFICIENCY 2; WISKOTT-ALDRICH SYNDROME 1; Wiskott-aldrich syndrome, somatic. Identifiers: Orphanet 906, MedGen C0043194, MONDO:0010518, OMIM 301000.
X-linked severe congenital neutropenia (SCNX). Identifiers: Orphanet 86788, MedGen C1845987, MONDO:0010294, OMIM 300299.
Thrombocytopenia 1. Also called: X-linked thrombocytopenia with normal platelets; THROMBOCYTOPENIA, X-LINKED, 1; X-Linked Thrombocytopenia (XLT). Identifiers: Orphanet 268322, Orphanet 852, MedGen C1839163, MONDO:0010743, OMIM 313900.
WAS-related disorder. Also called: WAS-related condition; WAS-Related Disorders. Identifiers: MedGen CN381538.
Inborn genetic diseases. Identifiers: MedGen C0950123, MeSH D030342.

Submissions (11):

MOLECULAR BIOLOGY AND HUMAN GENETICS DIVISION, THE UNIVERSITY OF BURDWAN
Classification: Pathogenic for Wiskott-Aldrich syndrome. Last evaluated: 2025-11-28. Review status: criteria provided, single submitter. Criteria: ACMG Guidelines, 2015. Collection method: research. Allele origin: germline. Affected: yes. Observed: 1 variant allele.
Comment: This variant is responsible for splicing error and leads to the production of a truncated protein and loss of function, thus this can be considered a pathogenic variant.

3billion
Classification: Pathogenic for Wiskott-Aldrich syndrome. Last evaluated: 2025-07-16. Review status: criteria provided, single submitter. Criteria: ACMG Guidelines, 2015. Collection method: clinical testing. Allele origin: germline. Affected: yes.
Comment: The variant is observed at an extremely low frequency in the gnomAD v4.1.0 dataset (total allele frequency: <0.001%). Predicted Consequence/Location: Canonical splice site: predicted to alter splicing and result in a loss or disruption of normal protein function. Multiple pathogenic loss-of-function variants are reported downstream of the variant. In silico tools predict the variant to alter splicing and produce an abnormal transcript [SpliceAI: 0.95 (spliceogenicity >=0.2, non-spliceogenicity <0.1)]. The variant has been reported at least twice as pathogenic with clinical assertions and evidence for the classification (ClinVar ID: VCV000372546 /PMID: 8682510). Therefore, this variant is classified as Pathogenic according to the recommendation of ACMG/AMP guideline.

Mayo Clinic Laboratories, Mayo Clinic
Classification: Pathogenic. Last evaluated: 2025-02-12. Review status: criteria provided, single submitter. Criteria: ACMG Guidelines, 2015. Collection method: clinical testing. Allele origin: germline. Observed: 1 variant allele.
Comment: PM2_supporting, PS3_supporting, PS4_moderate, PVS1

Ambry Genetics
Classification: Pathogenic for Inborn genetic diseases. Last evaluated: 2024-02-05. Review status: criteria provided, single submitter. Criteria: Ambry Variant Classification Scheme 2023. Collection method: clinical testing. Allele origin: germline.
Comment: The c.777+1G>A intronic variant results from a G to A substitution one nucleotide after coding exon 8 of the WAS gene. Alterations that disrupt the canonical splice site are expected to cause aberrant splicing, resulting in an abnormal protein or a transcript that is subject to nonsense-mediated mRNA decay._x000D_ _x000D_ for Wiskott-Aldrich syndrome/WAS-related thrombocytopenia; however, its clinical significance for WAS-related congenital neutropenia is uncertain. This variant was not reported in population-based cohorts in the Genome Aggregation Database (gnomAD). This variant was reported in multiple individuals with features consistent with Wiskott-Aldrich syndrome or WAS-related thrombocytopenia (Jin, 2004; Albert, 2010; Wu, 2015; Petersen, 2017; Li, 2019; Wang, 2020; Chan, 2022; Arunachalam, 2021; Hassanzadeh, 2023). In silico splice site analysis predicts that this alteration will weaken the native splice donor site. Based on the available evidence, this alteration is classified as pathogenic.

Labcorp Genetics (formerly Invitae), Labcorp
Classification: Pathogenic for Wiskott-Aldrich syndrome; X-linked severe congenital neutropenia; Thrombocytopenia 1. Last evaluated: 2024-01-31. Review status: criteria provided, single submitter. Criteria: Invitae Variant Classification Sherloc (09022015). Collection method: clinical testing. Allele origin: germline.
Comment: This sequence change affects a donor splice site in intron 8 of the WAS gene. It is expected to disrupt RNA splicing. Variants that disrupt the donor or acceptor splice site typically lead to a loss of protein function (PMID: 16199547), and loss-of-function variants in WAS are known to be pathogenic (PMID: 15284122). This variant is not present in population databases (gnomAD no frequency). Disruption of this splice site has been observed in individuals with Wiskott-Aldrich syndrome (PMID: 8682510, 31965297, 33225392). This variant is also known as 811+1G>A. ClinVar contains an entry for this variant (Variation ID: 372546). Algorithms developed to predict the effect of sequence changes on RNA splicing suggest that this variant may disrupt the consensus splice site. For these reasons, this variant has been classified as Pathogenic.

Laboratorio de Genetica e Diagnostico Molecular, Hospital Israelita Albert Einstein
Classification: Pathogenic for Thrombocytopenia 1. Last evaluated: 2022-04-14. Review status: criteria provided, single submitter. Criteria: ACMG Guidelines, 2015. Collection method: clinical testing. Allele origin: germline. Affected: yes. Observed: 1 variant allele.
Comment: ACMG classification criteria: PVS1 very strong, PS4 strong, PM2 moderated

Blueprint Genetics
Classification: Pathogenic for WAS-related disorders. Last evaluated: 2021-11-10. Review status: criteria provided, single submitter. Criteria: ACMG Guidelines, 2015. Collection method: clinical testing. Allele origin: germline. Affected: yes. Observed: 2 variant alleles.

Women's Health and Genetics/Laboratory Corporation of America, LabCorp
Classification: Pathogenic for Wiskott-Aldrich syndrome. Last evaluated: 2021-01-19. Review status: criteria provided, single submitter. Criteria: LabCorp Variant Classification Summary - May 2015. Collection method: clinical testing. Allele origin: germline.
Comment: Variant summary: WAS c.777+1G>A is located in a canonical splice-site and is predicted to affect mRNA splicing resulting in a significantly altered protein due to either exon skipping, shortening, or inclusion of intronic material. Several computational tools predict a significant impact on normal splicing: Four predict the variant abolishes a 5 splicing donor site. However, these predictions have yet to be confirmed by functional studies. The variant was absent in 168945 control chromosomes (gnomAD and publication data). c.777+1G>A has been reported in the literature in multiple individuals affected with Wiskott-Aldrich Syndrome or X-linked thrombocytopenia (Schindelhauer_1996, Wengler_1995, Albert_2010, Wu_2014). These data indicate that the variant is very likely to be associated with disease. At least one publication reports experimental evidence evaluating an impact on protein function and shows the patient carried this variant lacked WASP expression. Two ClinVar submitters (evaluation after 2014) cite the variant as pathogenic. Based on the evidence outlined above, the variant was classified as pathogenic.

GeneDx
Classification: Pathogenic. Last evaluated: 2019-07-25. Review status: criteria provided, single submitter. Criteria: GeneDx Variant Classification Process June 2021. Collection method: clinical testing. Allele origin: germline. Affected: yes.
Comment: Canonical splice site variant in a gene for which loss-of-function is a known mechanism of disease; Not observed in large population cohorts (Lek et al., 2016); This variant is associated with the following publications: (PMID: 30738478, 28930861, 8682510, 31750346, 31965297, 33225392)

Neuberg Centre For Genomic Medicine, NCGM
Classification: Pathogenic for Wiskott-Aldrich syndrome. Review status: criteria provided, single submitter. Criteria: ACMG Guidelines, 2015. Collection method: clinical testing. Allele origin: germline. Inheritance: X-linked inheritance. Affected: yes.
Comment: The splice site variant c.777+1G>A in WAS gene has been reported previously in classical Wiskott-Aldrich syndrome, (Schindelhauer et al., 1996). This variant is also known as 811+1G>A in the literature. This variant has been reported to the ClinVar database as Pathogenic. An experimental study has shown that this variant disrupts RNA splicing in the lymphocytes of the patient. The nucleotide change in WAS is predicted as conserved by GERP++ and PhyloP across 100 vertebrates. The variant is novel (not in any individuals) in gnomAD Exomes and 1000 Genomes. For these reasons, this variant has been classified as pathogenic .

Dr. Peter K. Rogan Lab, Western University
No classification provided (evidence only). Condition: Colon adenocarcinoma. Review status: no classification provided. Collection method: in vitro. Allele origin: not applicable. Functional consequence: retained intron. Not counted in ClinVar's aggregate classification.

Literature cited by the submitters: PubMed 15284122 (cited by 4 submitters); PubMed 8682510 (cited by 4 submitters); PubMed 16002738 (cited by Mayo Clinic Laboratories, Mayo Clinic); PubMed 17013426 (cited by Mayo Clinic Laboratories, Mayo Clinic); PubMed 17400488 (cited by Mayo Clinic Laboratories, Mayo Clinic); PubMed 20173115 (cited by 3 submitters); PubMed 20232122 (cited by Mayo Clinic Laboratories, Mayo Clinic and Women's Health and Genetics/Laboratory Corporation of America, LabCorp); PubMed 20546529 (cited by Mayo Clinic Laboratories, Mayo Clinic); PubMed 21185603 (cited by Mayo Clinic Laboratories, Mayo Clinic); PubMed 22426750 (cited by Mayo Clinic Laboratories, Mayo Clinic); PubMed 22679904 (cited by Mayo Clinic Laboratories, Mayo Clinic); PubMed 25091438 (cited by 3 submitters); PubMed 28930861 (cited by Mayo Clinic Laboratories, Mayo Clinic and Ambry Genetics); PubMed 30055182 (cited by Mayo Clinic Laboratories, Mayo Clinic); PubMed 31750346 (cited by Mayo Clinic Laboratories, Mayo Clinic and Ambry Genetics); PubMed 31965297 (cited by 3 submitters); PubMed 33225392 (cited by 3 submitters); PubMed 35316210 (cited by Mayo Clinic Laboratories, Mayo Clinic); PubMed 35874699 (cited by Mayo Clinic Laboratories, Mayo Clinic and Ambry Genetics); PubMed 36790564 (cited by Mayo Clinic Laboratories, Mayo Clinic); PubMed 37471507 (cited by Mayo Clinic Laboratories, Mayo Clinic); PubMed 37607355 (cited by Mayo Clinic Laboratories, Mayo Clinic); PubMed 37678716 (cited by Mayo Clinic Laboratories, Mayo Clinic); PubMed 38641933 (cited by Mayo Clinic Laboratories, Mayo Clinic); PubMed 7579329 (cited by Mayo Clinic Laboratories, Mayo Clinic and Women's Health and Genetics/Laboratory Corporation of America, LabCorp); PubMed 35389161 (cited by Ambry Genetics); PubMed 16199547 (cited by Labcorp Genetics (formerly Invitae), Labcorp).

NM_000377.3(WAS):c.777+1G>A

Gene: WAS (WASP actin nucleation promoting factor; plus strand). Cytogenetic location: Xp11.23.
Variant type: single nucleotide variant.
Coding change: c.777+1G>A on transcript NM_000377.3 (MANE Select); the canonical splice donor site of the intron after coding-DNA position 777, G replaced by A.
Molecular consequence: splice donor variant.
Genome position (GRCh38, 1-based): chrX:48,688,097, G>A. VCF-style: chrX-48688097-G-A. GRCh37 (hg19) VCF-style: chrX-48546486-G-A.
Other names: p.?.
Identifiers: ClinVar variation 372546 (VCV000372546.17), dbSNP rs1057517845, ClinGen allele CA16043277.